The following is an entry in ClinVar:

ClinVar aggregate classification (germline): Uncertain significance. Review status: criteria provided, multiple submitters, no conflicts (2 of 4 stars). 2 submissions from 2 submitters: Uncertain significance (2). Last evaluated 2024-06-13.

Conditions:
Inborn genetic diseases. Identifiers: MedGen C0950123, MeSH D030342.

Allele frequency attached by ClinVar (database versions not stated): TOPMed below 0.00001; gnomAD exomes 0.00001.

Submissions (2):

Ambry Genetics
Classification: Uncertain significance for Inborn genetic diseases. Last evaluated: 2024-06-13. Review status: criteria provided, single submitter. Criteria: Ambry Variant Classification Scheme 2023. Collection method: clinical testing. Allele origin: germline.

GeneDx
Classification: Uncertain significance. Last evaluated: 2015-12-29. Review status: criteria provided, single submitter. Criteria: GeneDx Variant Classification (06012015). Collection method: clinical testing. Allele origin: germline. Affected: yes.
Comment: The L880V variant in the ALS2 gene has not been reported previously as a pathogenic variant, nor as a benign variant, to our knowledge. The L880V variant was not observed in approximately 6000 individuals of European and African American ancestry in the NHLBI Exome Sequencing Project, indicating it is not a common benign variant in these populations. The L880V variant is a conservative amino acid substitution, which is not likely to impact secondary protein structure as these residues share similar properties. This substitution occurs at a position where amino acids with similar properties to Leucine are tolerated across species. In silico analysis is inconsistent in its predictions as to whether or not the variant is damaging to the protein structure/function. We interpret L880V as a variant of uncertain significance.

NM_020919.4(ALS2):c.2638C>G (p.Leu880Val)

Gene: ALS2 (alsin Rho guanine nucleotide exchange factor ALS2; minus strand). Cytogenetic location: 2q33.1.
Variant type: single nucleotide variant.
Coding change: c.2638C>G on transcript NM_020919.4 (MANE Select); coding-DNA position 2638, C replaced by G.
Protein change: p.Leu880Val; replaces leucine 880 with valine.
Molecular consequence: missense variant.
Genome position (GRCh38, 1-based): chr2:201,729,126, G>C on the plus strand (C>G on the coding strand, the complement: ALS2 is on the minus strand). VCF-style: chr2-201729126-G-C. GRCh37 (hg19) VCF-style: chr2-202593849-G-C.
Other names: short protein forms L880V.
Identifiers: ClinVar variation 382208 (VCV000382208.3), dbSNP rs746901960, ClinGen allele CA16604342.